The following is an entry in ClinVar:

NM_001164508.2(NEB):c.10082C>T (p.Thr3361Met)

Gene: NEB (nebulin; minus strand). Cytogenetic location: 2q23.3.
Variant type: single nucleotide variant.
Coding change: c.10082C>T on transcript NM_001164508.2 (MANE Select); coding-DNA position 10082, C replaced by T.
Protein change: p.Thr3361Met; replaces threonine 3361 with methionine.
Molecular consequence: missense variant.
Genome position (GRCh38, 1-based): chr2:151,627,584, G>A on the plus strand (C>T on the coding strand, the complement: NEB is on the minus strand). VCF-style: chr2-151627584-G-A. GRCh37 (hg19) VCF-style: chr2-152484098-G-A.
Other names: c.10082C>T, p.Thr3361Met (NM_001164507.2, NM_001271208.2); c.9353C>T, p.Thr3118Met (NM_004543.5); short protein forms T3361M, T3118M.
Identifiers: ClinVar variation 965431 (VCV000965431.9), dbSNP rs745706462, ClinGen allele CA1909128.

ClinVar aggregate classification (germline): Uncertain significance. Review status: criteria provided, single submitter (1 of 4 stars). 2 submissions from 2 submitters: Uncertain significance (1). 1 of the submissions does not count toward it. Last evaluated 2024-10-17.

Conditions:
Nemaline myopathy 2 (NEM2). Also called: Nemaline myopathy 2, autosomal recessive. Identifiers: MedGen C1850569, MONDO:0009725, OMIM 256030.

Allele frequency attached by ClinVar (database versions not stated): ExAC 0.00001; gnomAD exomes 0.00001 and 0.00002; TOPMed 0.00002.
gnomAD v4.1: 12 of 1,613,984 alleles (0.00074%); highest among the groups gnomAD compares: Middle Eastern, 0.016%; no homozygotes.

Submissions (2):

Labcorp Genetics (formerly Invitae), Labcorp
Classification: Uncertain significance for Nemaline myopathy 2. Last evaluated: 2024-10-17. Review status: criteria provided, single submitter. Criteria: Invitae Variant Classification Sherloc (09022015). Collection method: clinical testing. Allele origin: germline.
Comment: This sequence change replaces threonine, which is neutral and polar, with methionine, which is neutral and non-polar, at codon 3361 of the NEB protein (p.Thr3361Met). This variant is present in population databases (rs745706462, gnomAD 0.009%). This variant has not been reported in the literature in individuals affected with NEB-related conditions. ClinVar contains an entry for this variant (Variation ID: 965431). An algorithm developed to predict the effect of missense changes on protein structure and function outputs the following: PolyPhen-2: "Not Available". The methionine amino acid residue is found in multiple mammalian species, which suggests that this missense change does not adversely affect protein function. In summary, the available evidence is currently insufficient to determine the role of this variant in disease. Therefore, it has been classified as a Variant of Uncertain Significance.

Natera, Inc.
Classification: Uncertain significance for Nemaline myopathy type 2. Last evaluated: 2020-03-17. Review status: no assertion criteria provided. Collection method: clinical testing. Allele origin: germline. Not counted in ClinVar's aggregate classification.